The following is an entry in ClinVar:

ClinVar aggregate classification (germline): Uncertain significance (1 of 4 stars; one submission).

Conditions:
Glycine encephalopathy. Also called: Nonketotic hyperglycinemia; Non-ketotic hyperglycinemia. Identifiers: Orphanet 407, MedGen C0751748, MONDO:0011612, HP:0008288.

Allele frequency attached by ClinVar (database versions not stated): ExAC 0.00001; gnomAD exomes 0.00001.
gnomAD v4.1: 14 of 1,612,294 alleles (0.00087%); highest among the groups gnomAD compares: Non-Finnish European, 0.0011%; no homozygotes.

Submission:

Labcorp Genetics (formerly Invitae), Labcorp
Classification: Uncertain significance for Glycine encephalopathy. Last evaluated: 2022-07-17. Review status: criteria provided, single submitter. Criteria: Invitae Variant Classification Sherloc (09022015). Collection method: clinical testing. Allele origin: germline.
Comment: In summary, the available evidence is currently insufficient to determine the role of this variant in disease. Therefore, it has been classified as a Variant of Uncertain Significance. Variants that disrupt the consensus splice site are a relatively common cause of aberrant splicing (PMID: 17576681, 9536098). Algorithms developed to predict the effect of sequence changes on RNA splicing suggest that this variant may create or strengthen a splice site. Algorithms developed to predict the effect of missense changes on protein structure and function are either unavailable or do not agree on the potential impact of this missense change (SIFT: "Tolerated"; PolyPhen-2: "Possibly Damaging"; Align-GVGD: "Class C0"). This variant has not been reported in the literature in individuals affected with GLDC-related conditions. This variant is present in population databases (rs747786666, gnomAD 0.0009%). This sequence change replaces serine, which is neutral and polar, with threonine, which is neutral and polar, at codon 617 of the GLDC protein (p.Ser617Thr). This variant also falls at the last nucleotide of exon 15, which is part of the consensus splice site for this exon.

Literature cited by the submitters: PubMed 17576681; PubMed 9536098.

NM_000170.3(GLDC):c.1850G>C (p.Ser617Thr)

Gene: GLDC (glycine decarboxylase; minus strand). Cytogenetic location: 9p24.1.
Variant type: single nucleotide variant.
Coding change: c.1850G>C on transcript NM_000170.3 (MANE Select); coding-DNA position 1850, G replaced by C.
Protein change: p.Ser617Thr; replaces serine 617 with threonine.
Molecular consequence: missense variant.
Genome position (GRCh38, 1-based): chr9:6,587,141, C>G on the plus strand (G>C on the coding strand, the complement: GLDC is on the minus strand). VCF-style: chr9-6587141-C-G. GRCh37 (hg19) VCF-style: chr9-6587141-C-G.
Other names: short protein forms S617T.
Identifiers: ClinVar variation 2086623 (VCV002086623.4), dbSNP rs747786666, ClinGen allele CA4980531.